The following is an entry in ClinVar:

ClinVar aggregate classification (germline): Uncertain significance (1 of 4 stars; one submission).

Conditions:
Capillary malformation-arteriovenous malformation syndrome. Also called: Capillary malformation-arteriovenous malformation. Identifiers: Orphanet 137667, MedGen C1842180, MONDO:0012016.

Allele frequency attached by ClinVar (database versions not stated): gnomAD exomes below 0.00001.
gnomAD v4.1: 1 of 1,613,410 alleles (0.000062%); highest among the groups gnomAD compares: Non-Finnish European, 0.000085%; no homozygotes.

Submission:

Labcorp Genetics (formerly Invitae), Labcorp
Classification: Uncertain significance for Capillary malformation-arteriovenous malformation syndrome. Last evaluated: 2021-10-12. Review status: criteria provided, single submitter. Criteria: Invitae Variant Classification Sherloc (09022015). Collection method: clinical testing. Allele origin: germline.
Comment: In summary, the available evidence is currently insufficient to determine the role of this variant in disease. Therefore, it has been classified as a Variant of Uncertain Significance. This variant has not been reported in the literature in individuals affected with RASA1-related conditions. Algorithms developed to predict the effect of missense changes on protein structure and function are either unavailable or do not agree on the potential impact of this missense change (SIFT: "Tolerated"; PolyPhen-2: "Possibly Damaging"; Align-GVGD: "Class C0"). This sequence change replaces methionine with isoleucine at codon 569 of the RASA1 protein (p.Met569Ile). The methionine residue is moderately conserved and there is a small physicochemical difference between methionine and isoleucine. This variant is not present in population databases (ExAC no frequency).

NM_002890.3(RASA1):c.1707G>A (p.Met569Ile)

Genes: CCNH (cyclin H; minus strand), RASA1 (RAS p21 protein activator 1; plus strand). Cytogenetic location: 5q14.3.
Variant type: single nucleotide variant.
Coding change: c.1707G>A on transcript NM_002890.3 (MANE Select); coding-DNA position 1707, G replaced by A.
Protein change: p.Met569Ile; replaces methionine 569 with isoleucine.
Molecular consequence: missense variant. On other transcripts: intron variant (1).
Genome position (GRCh38, 1-based): chr5:87,372,126, G>A. VCF-style: chr5-87372126-G-A. GRCh37 (hg19) VCF-style: chr5-86667943-G-A.
Other names: c.1176G>A, p.Met392Ile (NM_022650.3); c.933+22918C>T (NM_001364075.2); short protein forms M392I, M569I.
Identifiers: ClinVar variation 1386403 (VCV001386403.7), dbSNP rs2112480036, ClinGen allele CA360372984.
Genomic context (GRCh38, chr5:87,372,126, plus strand): 5'-GAAGCCAAATAAACTAGTGTATATTTCTTTGAAGTGCTGTTTTTCTTTGCAGGATTGGAT[G>A]AAAGGTCTGCAGGCATTTTGCAATTTACGGAAAAGTAGTCCAGGGACATCCAATAAACGC-3'
Protein context (NP_002881.1, residues 559-579): GETPEQAEDW[Met569Ile]KGLQAFCNLR